The following is an entry in ClinVar:

NM_000540.3(RYR1):c.14818G>A (p.Ala4940Thr)

Gene: RYR1 (ryanodine receptor 1; plus strand). Cytogenetic location: 19q13.2.
Variant type: single nucleotide variant.
Coding change: c.14818G>A on transcript NM_000540.3 (MANE Select); coding-DNA position 14818, G replaced by A.
Protein change: p.Ala4940Thr; replaces alanine 4940 with threonine.
Molecular consequence: missense variant.
Genome position (GRCh38, 1-based): chr19:38,585,952, G>A. VCF-style: chr19-38585952-G-A. GRCh37 (hg19) VCF-style: chr19-39076592-G-A.
Other names: NM_000540.2(RYR1):c.14818G>A; c.14803G>A, p.Ala4935Thr (NM_001042723.2); short protein forms A4940T, A4935T.
Identifiers: ClinVar variation 65927 (VCV000065927.75), dbSNP rs118192158, ClinGen allele CA024266.

ClinVar aggregate classification (germline): Uncertain significance. Review status: reviewed by expert panel (3 of 4 stars). 17 submissions from 17 submitters: Uncertain significance (1). 16 of the submissions do not count toward it. Last evaluated 2025-08-01.

Conditions:
RYR1-related disorder. Also called: RYR1-related disorders; RYR1-related condition. Identifiers: MedGen CN239331.
Malignant hyperthermia of anesthesia. Also called: Anesthesic-triggered malignant hyperthermia. Identifiers: Orphanet 423, MedGen C0024591, MONDO:0018493, HP:0034733.
Central core myopathy (CMYO1A). Also called: CONGENITAL MYOPATHY 1A, AUTOSOMAL DOMINANT, WITH SUSCEPTIBILITY TO MALIGNANT HYPERTHERMIA; Central core disease; Myopathy, central fibrillar. Identifiers: Orphanet 597, MedGen C5830701, MONDO:0007294, OMIM 117000.
Malignant hyperthermia, susceptibility to, 1 (MHS1). Also called: Anesthesia related hyperthermia; Malignant hyperpyrexia; Fulminating hyperpyrexia; Pharmacogenic myopathy; Malignant hyperthermia suceptibility 1; RYR1-Related Malignant Hyperthermia Susceptibility. Identifiers: Orphanet 423, MedGen C2930980, MONDO:0007783, OMIM 145600.

Allele frequency attached by ClinVar (database versions not stated): ExAC 0.00001; gnomAD 0.00001; TOPMed below 0.00001.
gnomAD v4.1: 4 of 1,613,852 alleles (0.00025%); highest among the groups gnomAD compares: African/African-American, 0.0013%; no homozygotes.

Submissions 1 to 9 of 17:

ClinGen Malignant Hyperthermia Susceptibility Variant Curation Expert Panel, ClinGen
Classification: Uncertain significance for Malignant hyperthermia, susceptibility to, 1. Last evaluated: 2025-08-01. Review status: reviewed by expert panel. Criteria: ClinGen MHS ACMG Specifications V2. Collection method: curation. Allele origin: germline. Inheritance: Autosomal dominant inheritance. Study: ClinGen.
Comment: This pathogenicity assessment is relevant only for malignant hyperthermia susceptibility (MHS) inherited in an autosomal dominant pattern. Variants in RYR1 can also cause other myopathies inherited in an autosomal dominant pattern or in an autosomal recessive pattern. Some of these disorders may predispose individuals to malignant hyperthermia. RYR1 variants may also contribute to a malignant hyperthermia reaction in combination with other genetic and non-genetic factors and the clinician needs to consider such factors in making management decisions. This sequence variant predicts a substitution of alanine with threonine at codon 4940 of the RYR1 protein, p.(Ala4940Thr). This variant was not present in a large population database (gnomAD) at the time this variant was interpreted. This variant has been identified in two unrelated individuals who have a personal or family history of a malignant hyperthermia reaction, both of these individuals had a positive in vitro contracture test (IVCT) or caffeine halothane contracture test (CHCT) result (if the proband was unavailable for testing, a positive diagnostic test result in a mutation-positive relative was counted), PS4_Moderate (PMID:15731587, personal communication from VCEP laboratory). No functional studies were identified for this variant. This variant resides in a region of RYR1 considered to be a hotspot for pathogenic variants that contribute to MHS, PM1_Sup (PMID: 21118704). A REVEL score >0.85 (0.882) supports a pathogenic status for this variant, PP3_Moderate. This variant has been classified as a Variant of Unknown Significance. Criteria implemented: PS4_Moderate, PM1_Supporting, PP3_Moderate.

Labcorp Genetics (formerly Invitae), Labcorp
Classification: Pathogenic for RYR1-related disorder. Last evaluated: 2026-01-18. Review status: criteria provided, single submitter. Criteria: Invitae Variant Classification Sherloc (09022015). Collection method: clinical testing. Allele origin: germline. Not counted in ClinVar's aggregate classification.
Comment: This sequence change replaces alanine, which is neutral and non-polar, with threonine, which is neutral and polar, at codon 4940 of the RYR1 protein (p.Ala4940Thr). This variant is present in population databases (rs118192158, gnomAD 0.0009%). This missense change has been observed in individuals with autosomal dominant central core disease (PMID: 1256913, 12467748, 14670767, 15731587, 23183335, 23558838). It has also been observed to segregate with disease in related individuals. ClinVar contains an entry for this variant (Variation ID: 65927). Invitae Evidence Modeling of protein sequence and biophysical properties (such as structural, functional, and spatial information, amino acid conservation, physicochemical variation, residue mobility, and thermodynamic stability) indicates that this missense variant is not expected to disrupt RYR1 protein function with a negative predictive value of 80%. For these reasons, this variant has been classified as Pathogenic.

PreventionGenetics, part of Exact Sciences
Classification: Pathogenic for RYR1-related condition. Last evaluated: 2026-01-15. Review status: criteria provided, single submitter. Criteria: ACMG Guidelines, 2015. Collection method: clinical testing. Allele origin: germline. Not counted in ClinVar's aggregate classification.
Comment: The RYR1 c.14818G>A variant is predicted to result in the amino acid substitution p.Ala4940Thr. This variant has been reported in several unrelated families to be causative for autosomal dominant central core disease (CCD) with incomplete penetrance (see for example Davis et al. 2003. PubMed ID: 12565913; Quinlivan et al. 2003. PubMed ID: 14670767; Brandom et al. 2013. PubMed ID: 23558838; Kraeva et al. 2013. PubMed ID: 23183335). We have also observed the c.14818G>A variant in many other CCD families at PreventionGenetics (Internal Data). This variant was reported in at least one individual with malignant hyperthermia susceptibility (Sambuughin et al. 2005. PubMed ID: 15731587). This variant has not been reported in a large population database (gnomAD), indicating this variant is rare. Additionally, the ClinGen Malignant Hyperthermia Susceptibility Variant Curation Expert Panel classifies this variant as uncertain (Variation ID: 65927). In summary, the c.14818G>A is categorized as pathogenic for autosomal dominant CCD; however, it is uncertain if this variant would contribute to malignant hyperthermia susceptibility.

Color Diagnostics, LLC DBA Color Health
Classification: Uncertain significance for Malignant hyperthermia, susceptibility to, 1. Last evaluated: 2025-07-18. Review status: criteria provided, single submitter. Criteria: ACMG Guidelines, 2015. Collection method: clinical testing. Allele origin: germline. Not counted in ClinVar's aggregate classification.
Comment: This missense variant replaces alanine with threonine at codon 4940 of the RYR1 protein. Computational prediction suggests that this variant may have deleterious impact on protein structure and function. Experimental studies have shown that this variant may disrupt function (PMID: 28325813, 28687594, 32236737). This variant has been reported in individuals affected with Malignant Hyperthermia Susceptibility (PMID: 15731587, 23558838ClinVar Accession: SCV001816183.2). This variant has not been identified in the general population by the Genome Aggregation Database (gnomAD). This variant is associated with other phenotype(s) (ClinVar variation ID: 65927). Although there is suspicion that this variant may also be associated with autosomal dominant Malignant Hyperthermia Susceptibility, additional studies are necessary to determine the role of this variant in disease conclusively. Therefore, this variant is classified as a Variant of Uncertain Significance.

Variantyx, Inc.
Classification: Likely pathogenic for Central core myopathy. Last evaluated: 2025-06-03. Review status: criteria provided, single submitter. Criteria: Variantyx Assertion Criteria 2022. Collection method: clinical testing. Allele origin: germline. Inheritance: Autosomal dominant inheritance. Affected: yes. Not counted in ClinVar's aggregate classification.
Comment: This is a nonsynonymous variant in the RYR1 gene (OMIM: 180901). Pathogenic variants in this gene have been associated with autosomal dominant congenital myopathy 1A with susceptibility to malignant hyperthermia. Functional studies have shown that this variant alters RYR1 protein function (PMID: 28687594) (PS3_Moderate), and multiple computational algorithms predict a deleterious effect for this variant (REVEL score: 0.882) (PP3). Moreover, the variant lies within a known hotspot for pathogenic variants or a well-established critical functional domain of the RYR1 protein (PM1). It has a 0.0013% maximum allele frequency in non-founder control populations. Based on the current evidence, this variant is classified as likely pathogenic for autosomal dominant congenital myopathy 1A with susceptibility to malignant hyperthermia.

Blueprint Genetics
Classification: Pathogenic for RYR1-related disorders. Last evaluated: 2024-07-11. Review status: criteria provided, single submitter. Criteria: ACMG Guidelines, 2015. Collection method: clinical testing. Allele origin: germline. Affected: yes. Observed: 1 variant allele. Not counted in ClinVar's aggregate classification.

Revvity Omics, Revvity
Classification: Pathogenic. Last evaluated: 2023-03-08. Review status: criteria provided, single submitter. Criteria: ACMG Guidelines, 2015. Collection method: clinical testing. Allele origin: germline. Not counted in ClinVar's aggregate classification.

GeneDx
Classification: Pathogenic. Last evaluated: 2022-03-12. Review status: criteria provided, single submitter. Criteria: GeneDx Variant Classification Process June 2021. Collection method: clinical testing. Allele origin: germline. Affected: yes. Not counted in ClinVar's aggregate classification.
Comment: Also reported in a patient with malignant hyperthermia susceptibility (Sambuughin et al., 2005); Published functional studies using transgenic C. elegans with the A4940T variant demonstrate a damaging effect of increased sensitivity to halothane and caffeine, with decreased locomotion (Nicoll Baines et al., 2017); In silico analysis, which includes protein predictors and evolutionary conservation, supports a deleterious effect; Not observed at significant frequency in large population cohorts (gnomAD); This variant is associated with the following publications: (PMID: 14670767, 23558838, 12565913, 20301565, 15731587, 12467748, 28325813, 25747005, 23183335, 28687594, 16084090, 1256913, 31321302, 31395954, 31559918, 32403337, 33646171)

Centre of Medical Genetics, University Hospital Muenster
Classification: Uncertain significance. Last evaluated: 2022-03-08. Review status: criteria provided, single submitter. Criteria: ACMG Guidelines, 2015. Collection method: clinical testing. Allele origin: unknown. Affected: yes. Observed: 1 variant allele, 1 heterozygote. Not counted in ClinVar's aggregate classification.
Comment: ACMG categories: PM1,PM2,PP3